The following is an entry in ClinVar:

NM_006267.5(RANBP2):c.2894A>G (p.Asn965Ser)

Gene: RANBP2 (RAN binding protein 2; plus strand). Cytogenetic location: 2q13.
Variant type: single nucleotide variant.
Coding change: c.2894A>G on transcript NM_006267.5 (MANE Select); coding-DNA position 2894, A replaced by G.
Protein change: p.Asn965Ser; replaces asparagine 965 with serine.
Molecular consequence: missense variant.
Genome position (GRCh38, 1-based): chr2:108,763,433, A>G. VCF-style: chr2-108763433-A-G. GRCh37 (hg19) VCF-style: chr2-109379889-A-G.
Other names: short protein forms N965S.
Identifiers: ClinVar variation 537204 (VCV000537204.10), dbSNP rs201447642, ClinGen allele CA1822835.
Genomic context (GRCh38, chr2:108,763,433, plus strand): 5'-GTTTTGAGTCTCCTGCAACGGGAATTCTATCGCCCAGGGGTGATGATTACTTTAATTACA[A>G]TGTTCAACAGACAAGCACAAATCCACCTTTGCCAGAACCAGGATATTTCACAAAACCTCC-3'
Protein context (NP_006258.3, residues 955-975): SPRGDDYFNY[Asn965Ser]VQQTSTNPPL

ClinVar aggregate classification (germline): Uncertain significance. Review status: criteria provided, multiple submitters, no conflicts (2 of 4 stars). 2 submissions from 2 submitters: Uncertain significance (2). Last evaluated 2021-08-16.

Conditions:
Familial acute necrotizing encephalopathy (IIAE3). Also called: Susceptibility to Acute Necrotizing Encephalopathy 1; ENCEPHALOPATHY, ACUTE, INFECTION-INDUCED, SUSCEPTIBILITY TO, 3. Identifiers: Orphanet 88619, MedGen C2675556, MONDO:0011953, OMIM 608033.

Allele frequency attached by ClinVar (database versions not stated): gnomAD exomes 0.00007 and 0.00012; ESP Exome Variant Server 0.00008; gnomAD 0.00009; TOPMed 0.00009; ExAC 0.00011.
gnomAD v4.1: 120 of 1,613,914 alleles (0.0074%); highest among the groups gnomAD compares: East Asian, 0.051%; no homozygotes.

Submissions (2):

Ambry Genetics
Classification: Uncertain significance. Last evaluated: 2021-08-16. Review status: criteria provided, single submitter. Criteria: Ambry Variant Classification Scheme 2023. Collection method: clinical testing. Allele origin: germline.

Labcorp Genetics (formerly Invitae), Labcorp
Classification: Uncertain significance for Familial acute necrotizing encephalopathy. Last evaluated: 2021-01-14. Review status: criteria provided, single submitter. Criteria: Invitae Variant Classification Sherloc (09022015). Collection method: clinical testing. Allele origin: germline.
Comment: In summary, the available evidence is currently insufficient to determine the role of this variant in disease. Therefore, it has been classified as a Variant of Uncertain Significance. Algorithms developed to predict the effect of sequence changes on RNA splicing suggest that this variant may create or strengthen a splice site, but this prediction has not been confirmed by published transcriptional studies. Algorithms developed to predict the effect of missense changes on protein structure and function output the following: SIFT: "Deleterious"; PolyPhen-2: "Benign"; Align-GVGD: "Class C45". The serine amino acid residue is found in multiple mammalian species, suggesting that this missense change does not adversely affect protein function. These predictions have not been confirmed by published functional studies and their clinical significance is uncertain. This variant has not been reported in the literature in individuals with RANBP2-related disease. This variant is present in population databases (rs201447642, ExAC 0.02%), and has an allele count higher than expected for a pathogenic variant (PMID: 28166811). This sequence change replaces asparagine with serine at codon 965 of the RANBP2 protein (p.Asn965Ser). The asparagine residue is highly conserved and there is a small physicochemical difference between asparagine and serine.

Literature cited by the submitters: PubMed 28166811 (cited by Labcorp Genetics (formerly Invitae), Labcorp).